The following is an entry in ClinVar:

NM_001134363.3(RBM20):c.2550+2T>C

Gene: RBM20 (RNA binding motif protein 20; plus strand). Cytogenetic location: 10q25.2.
Variant type: single nucleotide variant.
Coding change: c.2550+2T>C on transcript NM_001134363.3 (MANE Select); the canonical splice donor site of the intron after coding-DNA position 2550, T replaced by C.
Molecular consequence: splice donor variant.
Genome position (GRCh38, 1-based): chr10:110,812,949, T>C. VCF-style: chr10-110812949-T-C. GRCh37 (hg19) VCF-style: chr10-112572707-T-C.
Identifiers: ClinVar variation 4826313 (VCV004826313.1).
Genomic context (GRCh38, chr10:110,812,949, plus strand): 5'-CTGATAGAGACCAAGAAGGAGCTGATGATAGAAAAGAAAACACAATGGCAGAGAATGAGG[T>C]AATGATCAATTTCTTCCCCAGGTAAGGCGAGGCAGGCCCTGAAGGAGAATAATCATAATA-3'

ClinVar aggregate classification (germline): Uncertain significance (1 of 4 stars; one submission).

Conditions:
Cardiovascular phenotype. Identifiers: MedGen CN230736.

gnomAD v4.1: 59 of 1,332,582 alleles (0.0044%); highest among the groups gnomAD compares: Non-Finnish European, 0.0053%; no homozygotes.

Submission:

Ambry Genetics
Classification: Uncertain significance for Cardiovascular phenotype. Last evaluated: 2026-03-10. Review status: criteria provided, single submitter. Criteria: Ambry Variant Classification Scheme 2023. Collection method: clinical testing. Allele origin: germline.
Comment: The c.2550+2T>C intronic variant results from a T to C substitution two nucleotides after coding exon 9 in the RBM20 gene. This nucleotide position is highly conserved in available vertebrate species. In silico splice site analysis predicts that this alteration will weaken the native splice donor site and will result in the creation or strengthening of a novel splice donor site. Variants that disrupt the canonical splice site are expected to cause aberrant splicing, resulting in an abnormal protein or a transcript that is subject to nonsense-mediated mRNA decay. However, loss of function has not been established as a mechanism of disease. Based on the available evidence, the clinical significance of this variant remains unclear.